The following is an entry in ClinVar:

NM_000059.4(BRCA2):c.9415T>C (p.Phe3139Leu)

Gene: BRCA2 (BRCA2 DNA repair associated; plus strand). Cytogenetic location: 13q13.1.
Variant type: single nucleotide variant.
Coding change: c.9415T>C on transcript NM_000059.4 (MANE Select); coding-DNA position 9415, T replaced by C.
Protein change: p.Phe3139Leu; replaces phenylalanine 3139 with leucine.
Molecular consequence: missense variant.
Genome position (GRCh38, 1-based): chr13:32,394,847, T>C. VCF-style: chr13-32394847-T-C. GRCh37 (hg19) VCF-style: chr13-32968984-T-C.
Other names: short protein forms F3139L.
Identifiers: ClinVar variation 861490 (VCV000861490.10), dbSNP rs2073024011, ClinGen allele CA387761443.

ClinVar aggregate classification (germline): Uncertain significance (1 of 4 stars; one submission).

Conditions:
Hereditary breast ovarian cancer syndrome. Also called: Hereditary breast and ovarian cancer; Breast and ovarian cancer; Hereditary breast and/or ovarian cancer syndrome; Hereditary breast and ovarian cancer syndrome; Hereditary breast and ovarian cancer syndrome (HBOC); BRCA1- and BRCA2-Associated Hereditary Breast and Ovarian Cancer. Identifiers: Orphanet 145, MedGen C0677776, MeSH D061325, MONDO:0003582. Disease mechanism: loss of function.

Submission:

Labcorp Genetics (formerly Invitae), Labcorp
Classification: Uncertain significance for Hereditary breast ovarian cancer syndrome. Last evaluated: 2022-05-12. Review status: criteria provided, single submitter. Criteria: Invitae Variant Classification Sherloc (09022015). Collection method: clinical testing. Allele origin: germline.
Comment: This variant has not been reported in the literature in individuals affected with BRCA2-related conditions. ClinVar contains an entry for this variant (Variation ID: 861490). Advanced modeling of protein sequence and biophysical properties (such as structural, functional, and spatial information, amino acid conservation, physicochemical variation, residue mobility, and thermodynamic stability) performed at Invitae indicates that this missense variant is not expected to disrupt BRCA2 protein function. In summary, the available evidence is currently insufficient to determine the role of this variant in disease. Therefore, it has been classified as a Variant of Uncertain Significance. This variant is not present in population databases (gnomAD no frequency). This sequence change replaces phenylalanine, which is neutral and non-polar, with leucine, which is neutral and non-polar, at codon 3139 of the BRCA2 protein (p.Phe3139Leu).